The following is an entry in ClinVar:

ClinVar aggregate classification (germline): Uncertain significance (1 of 4 stars; one submission).

Allele frequency attached by ClinVar (database versions not stated): gnomAD exomes 0.00001; TOPMed 0.00001.
gnomAD v4.1: 8 of 1,613,938 alleles (0.0005%); highest among the groups gnomAD compares: Non-Finnish European, 0.00059%; no homozygotes.

Submission:

CeGaT Center for Human Genetics Tuebingen
Classification: Uncertain significance. Last evaluated: 2023-12-01. Review status: criteria provided, single submitter. Criteria: CeGaT Center For Human Genetics Tuebingen Variant Classification Criteria Version 2. Collection method: clinical testing. Allele origin: germline. Affected: yes. Observed: 1 variant allele.
Comment: BCL11A: PM2

NM_022893.4(BCL11A):c.662G>A (p.Cys221Tyr)

Gene: BCL11A (BCL11 transcription factor A; minus strand). Cytogenetic location: 2p16.1.
Variant type: single nucleotide variant.
Coding change: c.662G>A on transcript NM_022893.4 (MANE Select); coding-DNA position 662, G replaced by A.
Protein change: p.Cys221Tyr; replaces cysteine 221 with tyrosine.
Molecular consequence: missense variant. On other transcripts: intron variant (9).
Genome position (GRCh38, 1-based): chr2:60,462,250, C>T on the plus strand (G>A on the coding strand, the complement: BCL11A is on the minus strand). VCF-style: chr2-60462250-C-T. GRCh37 (hg19) VCF-style: chr2-60689385-C-T.
Other names: c.560G>A, p.Cys187Tyr (NM_001363864.1, NM_001365609.1, NM_001405711.1 and 2 more transcripts); c.662G>A, p.Cys221Tyr (NM_001405708.1, NM_001405709.1, NM_001405710.1 and 1 more transcripts); c.506G>A, p.Cys169Tyr (NM_001405713.1, NM_001405714.1, NM_001405715.1 and 3 more transcripts); c.404G>A, p.Cys135Tyr (NM_001405717.1, NM_001405718.1, NM_001405724.1); c.329G>A, p.Cys110Tyr (NM_001405720.1, NM_001405721.1); c.206G>A, p.Cys69Tyr (NM_001405725.1, NM_001405726.1, NM_001405727.1 and 1 more transcripts); c.630+32G>A (NM_138559.2, NM_001405732.1, NM_001405730.1); c.528+32G>A (NM_001405733.1); and 3 more; short protein forms C110Y, C135Y, C169Y, C187Y, C221Y, C69Y.
Identifiers: ClinVar variation 3026556 (VCV003026556.22), dbSNP rs1322661274, ClinGen allele CA347039704.